The following is an entry in ClinVar:

ClinVar aggregate classification (germline): Conflicting classifications of pathogenicity. Review status: criteria provided, conflicting classifications (1 of 4 stars). 2 submissions from 2 submitters: Uncertain significance (1); Likely benign (1). Last evaluated 2026-01-11.

Allele frequency attached by ClinVar (database versions not stated): TOPMed 0.00003; gnomAD 0.00004; ExAC 0.00005.
gnomAD v4.1: 80 of 1,613,772 alleles (0.005%); highest among the groups gnomAD compares: South Asian, 0.0066%; no homozygotes.

Submissions (2):

Labcorp Genetics (formerly Invitae), Labcorp
Classification: Uncertain significance. Last evaluated: 2026-01-11. Review status: criteria provided, single submitter. Criteria: Invitae Variant Classification Sherloc (09022015). Collection method: clinical testing. Allele origin: germline.
Comment: This sequence change replaces arginine, which is basic and polar, with glutamine, which is neutral and polar, at codon 574 of the TAB2 protein (p.Arg574Gln). This variant is present in population databases (rs762769341, gnomAD 0.009%). This variant has not been reported in the literature in individuals affected with TAB2-related conditions. ClinVar contains an entry for this variant (Variation ID: 1939571). Invitae Evidence Modeling of protein sequence and biophysical properties (such as structural, functional, and spatial information, amino acid conservation, physicochemical variation, residue mobility, and thermodynamic stability) indicates that this missense variant is not expected to disrupt TAB2 protein function with a negative predictive value of 80%. In summary, the available evidence is currently insufficient to determine the role of this variant in disease. Therefore, it has been classified as a Variant of Uncertain Significance.

Blueprint Genetics
Classification: Likely benign. Last evaluated: 2024-11-11. Review status: criteria provided, single submitter. Criteria: ACMG Guidelines, 2015. Collection method: clinical testing. Allele origin: germline.

NM_001292034.3(TAB2):c.1721G>A (p.Arg574Gln)

Gene: TAB2 (TGF-beta activated kinase 1 (MAP3K7) binding protein 2; plus strand). Cytogenetic location: 6q25.1.
Variant type: single nucleotide variant.
Coding change: c.1721G>A on transcript NM_001292034.3 (MANE Select); coding-DNA position 1721, G replaced by A.
Protein change: p.Arg574Gln; replaces arginine 574 with glutamine.
Molecular consequence: missense variant.
Genome position (GRCh38, 1-based): chr6:149,397,721, G>A. VCF-style: chr6-149397721-G-A. GRCh37 (hg19) VCF-style: chr6-149718857-G-A.
Other names: c.1625G>A, p.Arg542Gln (NM_001292035.3); c.1721G>A, p.Arg574Gln (NM_001369506.1, NM_015093.6); short protein forms R574Q, R542Q.
Identifiers: ClinVar variation 1939571 (VCV001939571.6), dbSNP rs762769341, ClinGen allele CA4041597.
Genomic context (GRCh38, chr6:149,397,721, plus strand): 5'-AAAAGAAAAAGCTGGATAAATTAAAATCTGAGGTTAATGAAATGGAAAATAATCTAACTC[G>A]AAGGCGCCTGAAAAGATCAAATTCTATATCCCAGATACCTTCCGTAAGTCTTTATGTAAC-3'
Protein context (NP_001278963.1, residues 564-584): EVNEMENNLT[Arg574Gln]RRLKRSNSIS